The following is an entry in ClinVar:

NM_003906.5(MCM3AP):c.2009C>T (p.Ala670Val)

Gene: MCM3AP (minichromosome maintenance complex component 3 associated protein; minus strand). Cytogenetic location: 21q22.3.
Variant type: single nucleotide variant.
Coding change: c.2009C>T on transcript NM_003906.5 (MANE Select); coding-DNA position 2009, C replaced by T.
Protein change: p.Ala670Val; replaces alanine 670 with valine.
Molecular consequence: missense variant.
Genome position (GRCh38, 1-based): chr21:46,273,575, G>A on the plus strand (C>T on the coding strand, the complement: MCM3AP is on the minus strand). VCF-style: chr21-46273575-G-A. GRCh37 (hg19) VCF-style: chr21-47693489-G-A.
Other names: short protein forms A670V.
Identifiers: ClinVar variation 1313637 (VCV001313637.2), dbSNP rs2145698356, ClinGen allele CA410525891.

ClinVar aggregate classification (germline): Uncertain significance (1 of 4 stars; one submission).

Submission:

GeneDx
Classification: Uncertain significance. Last evaluated: 2020-11-02. Review status: criteria provided, single submitter. Criteria: GeneDx Variant Classification Process June 2021. Collection method: clinical testing. Allele origin: germline. Affected: yes.
Comment: Not observed in large population cohorts (Lek et al., 2016); In silico analysis supports that this missense variant does not alter protein structure/function; Has not been previously published as pathogenic or benign to our knowledge